The following is an entry in ClinVar:

ClinVar aggregate classification (germline): Uncertain significance (1 of 4 stars; one submission).

Allele frequency attached by ClinVar (database versions not stated): gnomAD exomes below 0.00001; ExAC 0.00001; gnomAD 0.00001; TOPMed 0.00001; ESP Exome Variant Server 0.00008.
gnomAD v4.1: 5 of 1,608,912 alleles (0.00031%); highest among the groups gnomAD compares: South Asian, 0.0011%; no homozygotes.

Submission:

Athena Diagnostics
Classification: Uncertain significance. Last evaluated: 2020-03-23. Review status: criteria provided, single submitter. Criteria: Athena Diagnostics Criteria. Collection method: clinical testing. Allele origin: unknown.
Comment: This observation is not an independent occurrence and has been identified in the same individual by RCIGM, the other laboratory participating in the GEMINI study.

NM_001358921.2(COQ2):c.731C>T (p.Thr244Ile)

Gene: COQ2 (coenzyme Q2, polyprenyltransferase; minus strand). Cytogenetic location: 4q21.23.
Variant type: single nucleotide variant.
Coding change: c.731C>T on transcript NM_001358921.2 (MANE Select); coding-DNA position 731, C replaced by T.
Protein change: p.Thr244Ile; replaces threonine 244 with isoleucine.
Molecular consequence: missense variant.
Genome position (GRCh38, 1-based): chr4:83,269,891, G>A on the plus strand (C>T on the coding strand, the complement: COQ2 is on the minus strand). VCF-style: chr4-83269891-G-A. GRCh37 (hg19) VCF-style: chr4-84191044-G-A.
Other names: c.881C>T, p.Thr294Ile (NM_015697.9); short protein forms T244I, T294I.
Identifiers: ClinVar variation 1809747 (VCV001809747.1), dbSNP rs376333414, ClinGen allele CA2988517.
Genomic context (GRCh38, chr4:83,269,891, plus strand): 5'-CCAAAGTTAAGAAAAGATAATTTCTTTACCTGATGGGCATAAATAGTATCATATATTAGT[G>A]TCCACATAACTCCAGAAAAATAAAGAGGCAGGCAAACAGATGGATCACAGGAACCCTTGA-3'
Protein context (NP_001345850.1, residues 234-254): LPLYFSGVMW[Thr244Ile]LIYDTIYAHQ